The following is an entry in ClinVar:

NM_001365536.1(SCN9A):c.5617T>C (p.Ser1873Pro)

Genes: SCN9A (sodium voltage-gated channel alpha subunit 9; minus strand), SCN1A-AS1 (SCN1A and SCN9A antisense RNA 1; plus strand). Cytogenetic location: 2q24.3.
Variant type: single nucleotide variant.
Coding change: c.5617T>C on transcript NM_001365536.1 (MANE Select); coding-DNA position 5617, T replaced by C.
Protein change: p.Ser1873Pro; replaces serine 1873 with proline.
Molecular consequence: missense variant.
Genome position (GRCh38, 1-based): chr2:166,199,022, A>G on the plus strand (T>C on the coding strand, the complement: SCN9A is on the minus strand). VCF-style: chr2-166199022-A-G. GRCh37 (hg19) VCF-style: chr2-167055532-A-G.
Other names: c.5584T>C, p.Ser1862Pro (NM_002977.4); short protein forms S1862P, S1873P.
Identifiers: ClinVar variation 3758907 (VCV003758907.2).
Genomic context (GRCh38, chr2:166,199,022, plus strand): 5'-CAGACACATCCTCTTGTTTCCGTTTTAGTGTGGTTGTGATGGGTTCATAGGACACTTTGG[A>G]AGGATTTGCAGACATGAACCTTTCTTCCATCTGTGAACGAAGAGAATCCATCTCCCCACT-3'
Protein context (NP_001352465.1, residues 1863-1883): MEERFMSANP[Ser1873Pro]KVSYEPITTT

ClinVar aggregate classification (germline): Uncertain significance (1 of 4 stars; one submission).

Conditions:
Neuropathy, hereditary sensory and autonomic, type 2A (HSAN2A). Also called: ACROOSTEOLYSIS, GIACCAI TYPE; ACROOSTEOLYSIS, NEUROGENIC; WNK1-Related HSAN2 (HSAN2A); MORVAN DISEASE; NEUROPATHY, CONGENITAL SENSORY; NEUROPATHY, HEREDITARY SENSORY RADICULAR, AUTOSOMAL RECESSIVE. Identifiers: Orphanet 970, MedGen C2752089, MONDO:0024309, OMIM 201300.
Generalized epilepsy with febrile seizures plus, type 7 (GEFSP7). Also called: GEFS+, TYPE 7. Identifiers: Orphanet 36387, MedGen C2751778, MONDO:0013470, OMIM 613863.

Submission:

Labcorp Genetics (formerly Invitae), Labcorp
Classification: Uncertain significance for Neuropathy, hereditary sensory and autonomic, type 2A; Generalized epilepsy with febrile seizures plus, type 7. Last evaluated: 2024-11-21. Review status: criteria provided, single submitter. Criteria: Invitae Variant Classification Sherloc (09022015). Collection method: clinical testing. Allele origin: germline.
Comment: This sequence change replaces serine, which is neutral and polar, with proline, which is neutral and non-polar, at codon 1862 of the SCN9A protein (p.Ser1862Pro). This variant is not present in population databases (gnomAD no frequency). This variant has not been reported in the literature in individuals affected with SCN9A-related conditions. Invitae Evidence Modeling of protein sequence and biophysical properties (such as structural, functional, and spatial information, amino acid conservation, physicochemical variation, residue mobility, and thermodynamic stability) has been performed for this missense variant. However, the output from this modeling did not meet the statistical confidence thresholds required to predict the impact of this variant on SCN9A protein function. In summary, the available evidence is currently insufficient to determine the role of this variant in disease. Therefore, it has been classified as a Variant of Uncertain Significance.